The following is an entry in ClinVar:

ClinVar aggregate classification (germline): Uncertain significance. Review status: criteria provided, multiple submitters, no conflicts (2 of 4 stars). 2 submissions from 2 submitters: Uncertain significance (2). Last evaluated 2025-06-07.

Conditions:
PLXNA2-related disorder. Also called: PLXNA2-related condition.

gnomAD v4.1: 60 of 1,613,476 alleles (0.0037%); highest among the groups gnomAD compares: Middle Eastern, 0.033%; no homozygotes.

Submissions (2):

PreventionGenetics, part of Exact Sciences
Classification: Uncertain significance for PLXNA2-related condition. Last evaluated: 2025-06-07. Review status: criteria provided, single submitter. Criteria: ACMG Guidelines, 2015. Collection method: clinical testing. Allele origin: germline.
Comment: The PLXNA2 c.5122G>A variant is predicted to result in the amino acid substitution p.Ala1708Thr. To our knowledge, this variant has not been reported in the literature. This variant is reported in 0.029% of alleles in individuals of South Asian descent in gnomAD. At this time, the clinical significance of this variant is uncertain due to the absence of conclusive functional and genetic evidence.

Ambry Genetics
Classification: Uncertain significance. Last evaluated: 2024-09-10. Review status: criteria provided, single submitter. Criteria: Ambry Variant Classification Scheme 2023. Collection method: clinical testing. Allele origin: germline.

NM_025179.4(PLXNA2):c.5122G>A (p.Ala1708Thr)

Gene: PLXNA2 (plexin A2; minus strand). Cytogenetic location: 1q32.2.
Variant type: single nucleotide variant.
Coding change: c.5122G>A on transcript NM_025179.4 (MANE Select); coding-DNA position 5122, G replaced by A.
Protein change: p.Ala1708Thr; replaces alanine 1708 with threonine.
Molecular consequence: missense variant.
Genome position (GRCh38, 1-based): chr1:208,031,693, C>T on the plus strand (G>A on the coding strand, the complement: PLXNA2 is on the minus strand). VCF-style: chr1-208031693-C-T. GRCh37 (hg19) VCF-style: chr1-208205038-C-T.
Other names: short protein forms A1708T.
Identifiers: ClinVar variation 3421127 (VCV003421127.2).